The following is an entry in ClinVar:

ClinVar aggregate classification (germline): Uncertain significance (1 of 4 stars; one submission).

Submission:

Labcorp Genetics (formerly Invitae), Labcorp
Classification: Uncertain significance. Last evaluated: 2023-10-13. Review status: criteria provided, single submitter. Criteria: Invitae Variant Classification Sherloc (09022015). Collection method: clinical testing. Allele origin: germline.
Comment: This sequence change replaces methionine, which is neutral and non-polar, with isoleucine, which is neutral and non-polar, at codon 1740 of the UBR1 protein (p.Met1740Ile). This variant is not present in population databases (gnomAD no frequency). This variant has not been reported in the literature in individuals affected with UBR1-related conditions. ClinVar contains an entry for this variant (Variation ID: 1377024). Advanced modeling of protein sequence and biophysical properties (such as structural, functional, and spatial information, amino acid conservation, physicochemical variation, residue mobility, and thermodynamic stability) performed at Invitae indicates that this missense variant is not expected to disrupt UBR1 protein function. In summary, the available evidence is currently insufficient to determine the role of this variant in disease. Therefore, it has been classified as a Variant of Uncertain Significance.

NM_174916.3(UBR1):c.5220G>T (p.Met1740Ile)

Gene: UBR1 (ubiquitin protein ligase E3 component n-recognin 1; minus strand). Cytogenetic location: 15q15.2.
Variant type: single nucleotide variant.
Coding change: c.5220G>T on transcript NM_174916.3 (MANE Select); coding-DNA position 5220, G replaced by T.
Protein change: p.Met1740Ile; replaces methionine 1740 with isoleucine.
Molecular consequence: missense variant.
Genome position (GRCh38, 1-based): chr15:42,945,359, C>A on the plus strand (G>T on the coding strand, the complement: UBR1 is on the minus strand). VCF-style: chr15-42945359-C-A. GRCh37 (hg19) VCF-style: chr15-43237557-C-A.
Other names: short protein forms M1740I.
Identifiers: ClinVar variation 1377024 (VCV001377024.6), dbSNP rs2141245282, ClinGen allele CA392049566.